The following is an entry in ClinVar:

NM_006343.3(MERTK):c.1423C>G (p.Pro475Ala)

Gene: MERTK (MER proto-oncogene, tyrosine kinase; plus strand). Cytogenetic location: 2q13.
Variant type: single nucleotide variant.
Coding change: c.1423C>G on transcript NM_006343.3 (MANE Select); coding-DNA position 1423, C replaced by G.
Protein change: p.Pro475Ala; replaces proline 475 with alanine.
Molecular consequence: missense variant.
Genome position (GRCh38, 1-based): chr2:111,994,377, C>G. VCF-style: chr2-111994377-C-G. GRCh37 (hg19) VCF-style: chr2-112751954-C-G.
Other names: short protein forms P475A.
Identifiers: ClinVar variation 1060976 (VCV001060976.6), dbSNP rs1160161657, ClinGen allele CA348230085.

ClinVar aggregate classification (germline): Uncertain significance (1 of 4 stars; one submission).

Allele frequency attached by ClinVar (database versions not stated): gnomAD exomes below 0.00001 and 0.00002; gnomAD 0.00001.
gnomAD v4.1: 10 of 1,614,032 alleles (0.00062%); highest among the groups gnomAD compares: Admixed American, 0.013%; no homozygotes.

Submission:

Labcorp Genetics (formerly Invitae), Labcorp
Classification: Uncertain significance. Last evaluated: 2022-06-03. Review status: criteria provided, single submitter. Criteria: Invitae Variant Classification Sherloc (09022015). Collection method: clinical testing. Allele origin: germline.
Comment: This sequence change replaces proline, which is neutral and non-polar, with alanine, which is neutral and non-polar, at codon 475 of the MERTK protein (p.Pro475Ala). This variant is present in population databases (no rsID available, gnomAD 0.02%). This variant has not been reported in the literature in individuals affected with MERTK-related conditions. ClinVar contains an entry for this variant (Variation ID: 1060976). Algorithms developed to predict the effect of missense changes on protein structure and function (SIFT, PolyPhen-2, Align-GVGD) all suggest that this variant is likely to be disruptive. In summary, the available evidence is currently insufficient to determine the role of this variant in disease. Therefore, it has been classified as a Variant of Uncertain Significance.